The following is an entry in ClinVar:

ClinVar aggregate classification (germline): Likely benign (1 of 4 stars; one submission).

Conditions:
MYBPC1-related disorder. Also called: MYBPC1-related condition.

gnomAD v4.1: 227 of 1,614,074 alleles (0.014%); highest among the groups gnomAD compares: South Asian, 0.0099%; 1 homozygote.

Submission:

PreventionGenetics, part of Exact Sciences
Classification: Likely benign for MYBPC1-related condition. Last evaluated: 2025-05-21. Review status: criteria provided, single submitter. Criteria: ACMG Guidelines, 2015. Collection method: clinical testing. Allele origin: germline.
Comment: This variant is classified as likely benign based on ACMG/AMP sequence variant interpretation guidelines (Richards et al. 2015 PMID: 25741868, with internal and published modifications).

NM_002465.4(MYBPC1):c.2865C>T (p.Val955=)

Gene: MYBPC1 (myosin binding protein C1; plus strand). Cytogenetic location: 12q23.2.
Variant type: single nucleotide variant.
Coding change: c.2865C>T on transcript NM_002465.4 (MANE Select); coding-DNA position 2865, C replaced by T.
Protein change: p.Val955=; no amino-acid change (valine 955 retained).
Molecular consequence: synonymous variant.
Genome position (GRCh38, 1-based): chr12:101,675,347, C>T. VCF-style: chr12-101675347-C-T. GRCh37 (hg19) VCF-style: chr12-102069125-C-T.
Other names: c.2844C>T, p.Val948= (NM_001254718.3, NM_206820.4); c.2790C>T, p.Val930= (NM_001254719.3, NM_206821.4); c.2754C>T, p.Val918= (NM_001254720.3); c.2733C>T, p.Val911= (NM_001254721.3, NM_001404676.1, NM_001404678.1); c.2712C>T, p.Val904= (NM_001254722.3, NM_001404680.1); c.2751C>T, p.Val917= (NM_001254723.3); c.2865C>T, p.Val955= (NM_001404675.1, NM_206819.4); c.2655C>T, p.Val885= (NM_001404677.1, NM_001404679.1, NM_001404681.1).
Identifiers: ClinVar variation 4984670 (VCV004984670.1).